The following is an entry in ClinVar:

NM_007194.4(CHEK2):c.427_429delinsA (p.His143fs)

Gene: CHEK2 (checkpoint kinase 2; minus strand). Cytogenetic location: 22q12.1.
Variant type: Indel.
Coding change: c.427_429delinsA on transcript NM_007194.4 (MANE Select); coding-DNA positions 427 to 429, CAC replaced by A.
Protein change: p.His143fs; shifts the reading frame from histidine 143.
Molecular consequence: frameshift variant.
Genome position (GRCh38, 1-based): chr22:28,725,258-28,725,260, GTG replaced by T on the plus strand (CAC replaced by A on the coding strand, the reverse complement: CHEK2 is on the minus strand). VCF-style: chr22-28725258-GTG-T. GRCh37 (hg19) VCF-style: chr22-29121246-GTG-T.
Other names: c.556_558delCACinsA, p.His186Ilefs (NM_001005735.3); c.-351_-349delCACinsA (NM_001257387.3); c.427_429delCACinsA, p.His143Ilefs (NM_001349956.3, NM_145862.3); short protein forms H143fs, H186fs.
Identifiers: ClinVar variation 1739257 (VCV001739257.4), dbSNP rs2518058247, ClinGen allele CA2580099503.

ClinVar aggregate classification (germline): Pathogenic. Review status: criteria provided, multiple submitters, no conflicts (2 of 4 stars). 2 submissions from 2 submitters: Pathogenic (2). Last evaluated 2023-06-23.

Conditions:
Hereditary cancer-predisposing syndrome. Also called: Hereditary Cancer Syndrome; Hereditary neoplastic syndrome; Neoplastic Syndromes, Hereditary; Tumor predisposition. Identifiers: Orphanet 140162, MedGen C0027672, MeSH D009386, MONDO:0015356.
Familial cancer of breast. Also called: Hereditary breast cancer; BREAST CANCER, FAMILIAL; hereditary breast carcinoma. Identifiers: Orphanet 227535, MedGen C0346153, MONDO:0016419, OMIM 114480. Disease mechanism: loss of function.

Submissions (2):

Myriad Genetics, Inc.
Classification: Pathogenic for Familial cancer of breast. Last evaluated: 2023-06-23. Review status: criteria provided, single submitter. Criteria: Myriad Autosomal Dominant, Autosomal Recessive and X-Linked Classification Criteria (2023). Collection method: clinical testing. Allele origin: unknown.
Comment: This variant is considered pathogenic. This variant creates a frameshift predicted to result in premature protein truncation.

Ambry Genetics
Classification: Pathogenic for Hereditary cancer-predisposing syndrome. Last evaluated: 2020-01-03. Review status: criteria provided, single submitter. Criteria: Ambry Variant Classification Scheme 2023. Collection method: clinical testing. Allele origin: germline.
Comment: The c.427_429delCACinsA pathogenic mutation, located in coding exon 2 of the CHEK2 gene, results from the deletion of 3 nucleotides and insertion of one nucleotide causing a translational frameshift with a predicted alternate stop codon (p.H143Ifs*10). This alteration is expected to result in loss of function by premature protein truncation or nonsense-mediated mRNA decay. As such, this alteration is interpreted as a disease-causing mutation.